The following is an entry in ClinVar:

ClinVar aggregate classification (germline): Pathogenic (1 of 4 stars; one submission).

Conditions:
Granulomatous disease, chronic, X-linked. Also called: CYTOCHROME b-NEGATIVE GRANULOMATOUS DISEASE, CHRONIC, X-LINKED; GRANULOMATOUS DISEASE, CHRONIC, X-LINKED, SOMATIC MOSAIC. Identifiers: Orphanet 379, MedGen C1844376, MONDO:0010600, OMIM 306400.

Submission:

Labcorp Genetics (formerly Invitae), Labcorp
Classification: Pathogenic for Granulomatous disease, chronic, X-linked. Last evaluated: 2022-05-31. Review status: criteria provided, single submitter. Criteria: Invitae Variant Classification Sherloc (09022015). Collection method: clinical testing. Allele origin: germline.
Comment: This sequence change falls in intron 1 of the CYBB gene. It does not directly change the encoded amino acid sequence of the CYBB protein. It affects a nucleotide within the consensus splice site. This variant is not present in population databases (gnomAD no frequency). This variant has been observed in individual(s) with clinical features of chronic granulomatous disease (Invitae). In at least one individual the variant was observed to be de novo. Variants that disrupt the consensus splice site are a relatively common cause of aberrant splicing (PMID: 17576681, 9536098). Algorithms developed to predict the effect of sequence changes on RNA splicing suggest that this variant may disrupt the consensus splice site. For these reasons, this variant has been classified as Pathogenic.

Literature cited by the submitters: PubMed 17576681; PubMed 9536098.

NM_000397.4(CYBB):c.45+2dup

Genes: CYBB (cytochrome b-245 beta chain; plus strand), LOC130068093 (ATAC-STARR-seq lymphoblastoid active region 29519; plus strand). Cytogenetic location: Xp21.1.
Variant type: Duplication.
Coding change: c.45+2dup on transcript NM_000397.4 (MANE Select); the canonical splice donor site of the intron after coding-DNA position 45, one base duplicated (T; older notation c.45+2dupT).
Molecular consequence: splice donor variant.
Genome position (GRCh38, 1-based): chrX:37,780,124, T duplicated. VCF-style (leftmost placement, unchanged base first): chrX-37780123-G-GT. GRCh37 (hg19) VCF-style: chrX-37639376-G-GT.
Identifiers: ClinVar variation 2124686 (VCV002124686.4), dbSNP rs2519189288, ClinGen allele CA2580100782.